The following is an entry in ClinVar:

NM_001330700.2(TOP2B):c.4710+7G>A

Gene: TOP2B (DNA topoisomerase II beta; minus strand). Cytogenetic location: 3p24.2.
Variant type: single nucleotide variant.
Coding change: c.4710+7G>A on transcript NM_001330700.2 (MANE Select); 7 bases into the intron after coding-DNA position 4710, G replaced by A.
Molecular consequence: intron variant.
Genome position (GRCh38, 1-based): chr3:25,599,428, C>T on the plus strand (G>A on the coding strand, the complement: TOP2B is on the minus strand). VCF-style: chr3-25599428-C-T. GRCh37 (hg19) VCF-style: chr3-25640919-C-T.
Other names: c.4695+7G>A (NM_001068.3).
Identifiers: ClinVar variation 1135839 (VCV001135839.8), dbSNP rs935740639, ClinGen allele CA71615444.

ClinVar aggregate classification (germline): Likely benign. Review status: criteria provided, multiple submitters, no conflicts (2 of 4 stars). 2 submissions from 2 submitters: Likely benign (2). Last evaluated 2025-09-11.

Allele frequency attached by ClinVar (database versions not stated): TOPMed below 0.00001; gnomAD 0.00001; gnomAD exomes 0.00001 and 0.00002.
gnomAD v4.1: 14 of 1,611,930 alleles (0.00087%); highest among the groups gnomAD compares: Admixed American, 0.0033%; no homozygotes.

Submissions (2):

Women's Health and Genetics/Laboratory Corporation of America, LabCorp
Classification: Likely benign. Last evaluated: 2025-09-11. Review status: criteria provided, single submitter. Criteria: LabCorp Variant Classification Summary - May 2015. Collection method: clinical testing. Allele origin: germline.
Comment: Variant summary: TOP2B c.4695+7G>A alters a non-conserved nucleotide located at a position not widely known to affect splicing. Consensus agreement among computation tools predict no significant impact on normal splicing. However, these predictions have yet to be confirmed by functional studies. The variant allele was found at a frequency of 1.6e-05 in 246632 control chromosomes. The available data on variant occurrences in the general population are insufficient to allow any conclusion about variant significance. To our knowledge, no occurrence of c.4695+7G>A in individuals affected with TOP2B-related conditions and no experimental evidence demonstrating its impact on protein function have been reported. ClinVar contains an entry for this variant (Variation ID: 1135839). Based on the evidence outlined above, the variant was classified as likely benign.

Labcorp Genetics (formerly Invitae), Labcorp
Classification: Likely benign. Last evaluated: 2025-06-24. Review status: criteria provided, single submitter. Criteria: Invitae Variant Classification Sherloc (09022015). Collection method: clinical testing. Allele origin: germline.